The following is an entry in ClinVar:

NM_017780.4(CHD7):c.7070C>T (p.Pro2357Leu)

Gene: CHD7 (chromodomain helicase DNA binding protein 7; plus strand). Cytogenetic location: 8q12.2.
Variant type: single nucleotide variant.
Coding change: c.7070C>T on transcript NM_017780.4 (MANE Select); coding-DNA position 7070, C replaced by T.
Protein change: p.Pro2357Leu; replaces proline 2357 with leucine.
Molecular consequence: missense variant. On other transcripts: intron variant (1).
Genome position (GRCh38, 1-based): chr8:60,856,108, C>T. VCF-style: chr8-60856108-C-T. GRCh37 (hg19) VCF-style: chr8-61768667-C-T.
Other names: c.1717-6121C>T (NM_001316690.1); short protein forms P2357L.
Identifiers: ClinVar variation 1934080 (VCV001934080.6), dbSNP rs1211299390, ClinGen allele CA371298826.

ClinVar aggregate classification (germline): Uncertain significance. Review status: criteria provided, multiple submitters, no conflicts (2 of 4 stars). 2 submissions from 2 submitters: Uncertain significance (2). Last evaluated 2024-06-25.

Conditions:
CHARGE syndrome (CHARGE). Also called: Hittner Hirsch Kreh syndrome; CHARGE ASSOCIATION--COLOBOMA, HEART ANOMALY, CHOANAL ATRESIA, RETARDATION, GENITAL AND EAR ANOMALIES; Coloboma, heart anomaly, choanal atresia, retardation, genital and ear anomalies; CHARGE association; Hall-Hittner syndrome. Identifiers: Orphanet 138, MedGen C0265354, MONDO:0008965.

Allele frequency attached by ClinVar (database versions not stated): gnomAD exomes below 0.00001; TOPMed below 0.00001; gnomAD 0.00001.
gnomAD v4.1: 2 of 1,611,116 alleles (0.00012%); highest among the groups gnomAD compares: Non-Finnish European, 0.00017%; no homozygotes.

Submissions (2):

Labcorp Genetics (formerly Invitae), Labcorp
Classification: Uncertain significance for CHARGE syndrome. Last evaluated: 2024-06-25. Review status: criteria provided, single submitter. Criteria: Invitae Variant Classification Sherloc (09022015). Collection method: clinical testing. Allele origin: germline.
Comment: This sequence change replaces proline, which is neutral and non-polar, with leucine, which is neutral and non-polar, at codon 2357 of the CHD7 protein (p.Pro2357Leu). This variant is not present in population databases (gnomAD no frequency). This variant has not been reported in the literature in individuals affected with CHD7-related conditions. ClinVar contains an entry for this variant (Variation ID: 1934080). Advanced modeling of protein sequence and biophysical properties (such as structural, functional, and spatial information, amino acid conservation, physicochemical variation, residue mobility, and thermodynamic stability) performed at Invitae indicates that this missense variant is not expected to disrupt CHD7 protein function with a negative predictive value of 95%. In summary, the available evidence is currently insufficient to determine the role of this variant in disease. Therefore, it has been classified as a Variant of Uncertain Significance.

GeneDx
Classification: Uncertain significance. Last evaluated: 2023-01-04. Review status: criteria provided, single submitter. Criteria: GeneDx Variant Classification Process June 2021. Collection method: clinical testing. Allele origin: germline. Affected: yes.
Comment: Not observed at significant frequency in large population cohorts (gnomAD); In silico analysis supports that this missense variant has a deleterious effect on protein structure/function; Has not been previously published as pathogenic or benign to our knowledge